The following is an entry in ClinVar:

NM_001276270.2(MBD4):c.158T>C (p.Met53Thr)

Gene: MBD4 (methyl-CpG binding domain 4, DNA glycosylase; minus strand). Cytogenetic location: 3q21.3.
Variant type: single nucleotide variant.
Coding change: c.158T>C on transcript NM_001276270.2 (MANE Select); coding-DNA position 158, T replaced by C.
Protein change: p.Met53Thr; replaces methionine 53 with threonine.
Molecular consequence: missense variant.
Genome position (GRCh38, 1-based): chr3:129,437,897, A>G on the plus strand (T>C on the coding strand, the complement: MBD4 is on the minus strand). VCF-style: chr3-129437897-A-G. GRCh37 (hg19) VCF-style: chr3-129156740-A-G.
Other names: c.158T>C, p.Met53Thr (NM_001276271.2, NM_001276272.2, NM_001276273.2 and 1 more transcripts); short protein forms M53T.
Identifiers: ClinVar variation 4721659 (VCV004721659.1).
Genomic context (GRCh38, chr3:129,437,897, plus strand): 5'-TGAGCAGAAGCGATGGGTTCTTGTAGCAAGGGATTACATTCACTGCTTCTTTTTATCATC[A>G]TTTGTTCCTCATCTTCTCCCACTCTTTCCAATTCCATAGCAACATCTTCTTTGCTGGAAA-3'
Protein context (NP_001263199.1, residues 43-63): LERVGEDEEQ[Met53Thr]MIKRSSECNP

ClinVar aggregate classification (germline): Uncertain significance (1 of 4 stars; one submission).

Submission:

Labcorp Genetics (formerly Invitae), Labcorp
Classification: Uncertain significance. Last evaluated: 2025-06-18. Review status: criteria provided, single submitter. Criteria: Invitae Variant Classification Sherloc (09022015). Collection method: clinical testing. Allele origin: germline.
Comment: This sequence change replaces methionine, which is neutral and non-polar, with threonine, which is neutral and polar, at codon 53 of the MBD4 protein (p.Met53Thr). This variant is not present in population databases (gnomAD no frequency). This variant has not been reported in the literature in individuals affected with MBD4-related conditions. An algorithm developed to predict the effect of missense changes on protein structure and function outputs the following: PolyPhen-2: "Benign". The threonine amino acid residue is found in multiple mammalian species, which suggests that this missense change does not adversely affect protein function. In summary, the available evidence is currently insufficient to determine the role of this variant in disease. Therefore, it has been classified as a Variant of Uncertain Significance.